The following is an entry in ClinVar:

ClinVar aggregate classification (germline): Benign. Review status: reviewed by expert panel (3 of 4 stars). 12 submissions from 12 submitters: Benign (1). 11 of the submissions do not count toward it. Last evaluated 2023-02-18.

Conditions:
Familial adenomatous polyposis 1 (FAP1). Also called: FAMILIAL ADENOMATOUS POLYPOSIS 1, ATTENUATED; POLYPOSIS, ADENOMATOUS INTESTINAL. Identifiers: MedGen C2713442, MONDO:0021056, OMIM 175100. Disease mechanism: loss of function.
Desmoid disease, hereditary (DESMD). Also called: FIBROMATOSIS, FAMILIAL INFILTRATIVE. Identifiers: Orphanet 873, MedGen C1851124, OMIM 135290. Disease mechanism: loss of function.
Hepatocellular carcinoma (HCC). Also called: Primary carcinoma of liver; HEPATOMA; LIVER CELL CARCINOMA. Identifiers: Orphanet 88673, MedGen C2239176, MONDO:0007256, OMIM 114550, HP:0001402.
Gastric cancer. Also called: Stomach cancer; Malignant tumor of stomach. Identifiers: MedGen C0024623, MeSH D013274, MONDO:0001056, OMIM 613659, HP:0012126.
Colorectal cancer. Also called: Colorectal cancer, somatic; Malignant Colorectal Neoplasm. Identifiers: MedGen C0346629, MONDO:0005575, OMIM 114500.
Gastric adenocarcinoma and proximal polyposis of the stomach (GAPPS). Also called: Polyposis, gastric, Dos Santos and de Magalhaes 1980; POLYPOSIS, GASTRIC; Gastric Adenocarcinoma and Proximal Polyposis of the Stomach (GAPPS). Identifiers: Orphanet 314022, MedGen C4749917, MONDO:0017790, OMIM 619182.
Classic or attenuated familial adenomatous polyposis. Identifiers: MedGen CN372698, MONDO:0021057.
Hereditary cancer-predisposing syndrome. Also called: Tumor predisposition; Hereditary Cancer Syndrome; Hereditary neoplastic syndrome; Neoplastic Syndromes, Hereditary. Identifiers: Orphanet 140162, MedGen C0027672, MeSH D009386, MONDO:0015356.

Allele frequency attached by ClinVar (database versions not stated): ExAC 0.00002; gnomAD exomes 0.00002; TOPMed 0.00002; gnomAD 0.00004.
gnomAD v4.1: 27 of 1,613,950 alleles (0.0017%); highest among the groups gnomAD compares: East Asian, 0.0022%; no homozygotes.

Submissions (12):

ClinGen InSiGHT Hereditary Colorectal Cancer/Polyposis Variant Curation Expert Panel
Classification: Benign for Familial adenomatous polyposis 1. Last evaluated: 2023-02-18. Review status: reviewed by expert panel. Criteria: ClinGen InSiGHT HCCP VCEP ACMG Specifications APC V1. Collection method: curation. Allele origin: germline. Inheritance: Autosomal dominant inheritance.
Comment: The c.1242C>T (p.Arg414=) variant in APC is a synonymous (silent) variant that is not predicted to impact splicing (BP4, BP7). This variant has been observed in heterozygous state in 11 healthy unrelated adult individuals worth 11 (more than 10) healthy individual points in total (BS2; Ambry internal data). While RT-PCR from internal data demonstrated no impact of the variant on splicing (Ambry Internal Data), transcription assays (not otherwise specified) in the literature demonstrated that the variant impacts splicing by leading to partial exon 10 skipping (p.V313_Q412del) (PMID 20685668). Functional evidence was disregarded in the classification of this variant as they showed conflicting results. The highest population minor allele frequency in gnomAD v2.1.1 (non-cancer) is 0.000034 (4/117512 alleles) in European (non-Finnish) population, which is higher than the ClinGen InSiGHT Hereditary Colorectal Cancer/Polyposis Variant Curation Expert Panel (HCCP VCEP) threshold (0.00001) for BS1. In summary, this variant meets the criteria to be classified as Benign for FAP based on the ACMG/AMP criteria applied, as specified by the HCCP VCEP: BS1, BS2, BP4, and BP7 (VCEP specifications version 1; date of approval: 12/12/2022).

Labcorp Genetics (formerly Invitae), Labcorp
Classification: Likely benign for Familial adenomatous polyposis 1. Last evaluated: 2025-11-26. Review status: criteria provided, single submitter. Criteria: Invitae Variant Classification Sherloc (09022015). Collection method: clinical testing. Allele origin: germline. Not counted in ClinVar's aggregate classification.

All of Us Research Program, National Institutes of Health
Classification: Likely benign for Classic or attenuated familial adenomatous polyposis. Last evaluated: 2024-07-29. Review status: criteria provided, single submitter. Criteria: ACMG Guidelines, 2015. Collection method: clinical testing. Allele origin: germline. Inheritance: Autosomal dominant inheritance. Observed: 7 variant alleles, 7 heterozygotes. Not counted in ClinVar's aggregate classification.
Comment: This study involves interpretation of variants in research participants for the purpose of population health screening. Participant phenotype was not available at the time of variant classification. Additional details can be found in publication PMID: 35346344, PMCID: PMC8962531

Myriad Genetics, Inc.
Classification: Benign for Familial adenomatous polyposis 1. Last evaluated: 2024-03-01. Review status: criteria provided, single submitter. Criteria: Myriad Autosomal Dominant, Autosomal Recessive and X-Linked Classification Criteria (2023). Collection method: clinical testing. Allele origin: unknown. Not counted in ClinVar's aggregate classification.
Comment: This variant is considered benign. This variant is a silent/synonymous amino acid change and it is not expected to impact splicing.

Quest Diagnostics Nichols Institute San Juan Capistrano
Classification: Likely benign. Last evaluated: 2023-05-10. Review status: criteria provided, single submitter. Criteria: Quest Diagnostics criteria. Collection method: clinical testing. Allele origin: unknown. Not counted in ClinVar's aggregate classification.

Sema4
Classification: Likely benign for Hereditary cancer-predisposing syndrome. Last evaluated: 2022-03-05. Review status: criteria provided, single submitter. Criteria: Sema4 Curation Guidelines. Collection method: curation. Allele origin: germline. Not counted in ClinVar's aggregate classification.

Fulgent Genetics
Classification: Likely benign for Colorectal cancer; Hepatocellular carcinoma; Desmoid disease, hereditary; Familial adenomatous polyposis 1; Gastric cancer; Gastric adenocarcinoma and proximal polyposis of the stomach. Last evaluated: 2021-12-15. Review status: criteria provided, single submitter. Criteria: ACMG Guidelines, 2015. Collection method: clinical testing. Allele origin: unknown. Not counted in ClinVar's aggregate classification.

Department of Pathology and Laboratory Medicine, Sinai Health System
Classification: Likely benign for classic or attenuated familial adenomatous polyposis. Last evaluated: 2020-11-04. Review status: criteria provided, single submitter. Criteria: ACMG Guidelines, 2015. Collection method: clinical testing. Allele origin: germline. Affected: yes. Not counted in ClinVar's aggregate classification.

GeneDx
Classification: Likely benign. Last evaluated: 2019-03-07. Review status: criteria provided, single submitter. Criteria: GeneDx Variant Classification Process June 2021. Collection method: clinical testing. Allele origin: germline. Affected: yes. Not counted in ClinVar's aggregate classification.
Comment: This variant is associated with the following publications: (PMID: 21901162, 20685668)

Ambry Genetics
Classification: Likely benign for Hereditary cancer-predisposing syndrome. Last evaluated: 2018-03-29. Review status: criteria provided, single submitter. Criteria: Ambry Variant Classification Scheme 2023. Collection method: clinical testing. Allele origin: germline. Not counted in ClinVar's aggregate classification.

Color Diagnostics, LLC DBA Color Health
Classification: Likely benign for Hereditary cancer-predisposing syndrome. Last evaluated: 2017-05-16. Review status: criteria provided, single submitter. Criteria: ACMG Guidelines, 2015. Collection method: clinical testing. Allele origin: germline. Not counted in ClinVar's aggregate classification.

Laboratory for Molecular Medicine, Mass General Brigham Personalized Medicine
Classification: Likely benign. Last evaluated: 2016-06-23. Review status: criteria provided, single submitter. Criteria: LMM Criteria. Collection method: clinical testing. Allele origin: germline. Not counted in ClinVar's aggregate classification.
Comment: Variant identified in a genome or exome case(s) and assessed due to predicted null impact of the variant or pathogenic assertions in the literature or databases. Disclaimer: This variant has not undergone full assessment. The following are preliminary notes: Silent variant not near splice site. Reported in APC mutation spectrum paper.

Literature cited by the submitters: PubMed 20685668 (cited by Quest Diagnostics Nichols Institute San Juan Capistrano and Ambry Genetics); PubMed 33670833 (cited by Quest Diagnostics Nichols Institute San Juan Capistrano); PubMed 2068566 (cited by Sema4).

NM_000038.6(APC):c.1242C>T (p.Arg414=)

Gene: APC (APC regulator of Wnt signaling pathway; plus strand). Cytogenetic location: 5q22.2.
Variant type: single nucleotide variant.
Coding change: c.1242C>T on transcript NM_000038.6 (MANE Select); coding-DNA position 1242, C replaced by T.
Protein change: p.Arg414=; no amino-acid change (arginine 414 retained).
Molecular consequence: synonymous variant.
Genome position (GRCh38, 1-based): chr5:112,819,274, C>T. VCF-style: chr5-112819274-C-T. GRCh37 (hg19) VCF-style: chr5-112154971-C-T.
Other names: NM_000038.6(APC):c.1242C>T; p.Arg414=; c.1242C>T, p.Arg414= (NM_001127510.3, NM_001354895.2, NM_001354896.2); c.1188C>T, p.Arg396= (NM_001127511.3); c.1272C>T, p.Arg424= (NM_001354897.2); c.1167C>T, p.Arg389= (NM_001354898.2); c.1158C>T, p.Arg386= (NM_001354899.2); c.1065C>T, p.Arg355= (NM_001354900.2, NM_001354901.2); and 5 more.
Identifiers: ClinVar variation 215553 (VCV000215553.28), dbSNP rs751423790, ClinGen allele CA026898.